The following is an entry in ClinVar:

NM_138281.3(DLX4):c.556G>T (p.Asp186Tyr)

Gene: DLX4 (distal-less homeobox 4; plus strand). Cytogenetic location: 17q21.33.
Variant type: single nucleotide variant.
Coding change: c.556G>T on transcript NM_138281.3 (MANE Select); coding-DNA position 556, G replaced by T.
Protein change: p.Asp186Tyr; replaces aspartic acid 186 with tyrosine.
Molecular consequence: missense variant.
Genome position (GRCh38, 1-based): chr17:49,973,776, G>T. VCF-style: chr17-49973776-G-T. GRCh37 (hg19) VCF-style: chr17-48051140-G-T.
Other names: c.340G>T, p.Asp114Tyr (NM_001934.4); c.556G>T (NM_138281.2); short protein forms D114Y, D186Y.
Identifiers: ClinVar variation 1049271 (VCV001049271.4), dbSNP rs139954414, ClinGen allele CA8640873.

ClinVar aggregate classification (germline): Uncertain significance. Review status: criteria provided, single submitter (1 of 4 stars). 2 submissions from 2 submitters: Uncertain significance (1). 1 of the submissions does not count toward it. Last evaluated 2021-10-12.

Allele frequency attached by ClinVar (database versions not stated): gnomAD 0.00001 and 0.00002; TOPMed 0.00003; ESP Exome Variant Server 0.00008.

Submissions (2):

Ambry Genetics
Classification: Uncertain significance. Last evaluated: 2021-10-12. Review status: criteria provided, single submitter. Criteria: Ambry Variant Classification Scheme 2023. Collection method: clinical testing. Allele origin: germline.

Department of Pathology and Laboratory Medicine, Sinai Health System
Classification: Uncertain significance. Review status: no assertion criteria provided. Collection method: clinical testing. Allele origin: unknown. Affected: yes. Study: The Canadian Open Genetics Repository (COGR). Not counted in ClinVar's aggregate classification.
Comment: The DLX4 p.Asp114Tyr variant was not identified in the literature nor was it identified in ClinVar. The variant was identified in dbSNP (ID: rs139954414) and in control databases in 3 of 254104 chromosomes at a frequency of 0.00001181 (Genome Aggregation Database March 6, 2019, v2.1.1). The variant was observed in the European (non-Finnish) population in 3 of 118806 chromosomes (freq: 0.000025), but was not observed in the African, Latino, Ashkenazi Jewish, East Asian, European (Finnish), Other, or South Asian populations. Although the p.Asp114 residue is not conserved in mammals and other organisms, computational analyses (PolyPhen-2, SIFT, AlignGVGD, BLOSUM, MutationTaster) suggest that the variant may impact the protein. The variant occurs outside of the splicing consensus sequence and 2 of 4 in silico or computational prediction software programs (SpliceSiteFinder, MaxEntScan, NNSPLICE, GeneSplicer) predict a greater than 10% difference in splicing; this is not very predictive of pathogenicity. In summary, based on the above information the clinical significance of this variant cannot be determined with certainty at this time. This variant is classified as a variant of uncertain significance.